The following is an entry in ClinVar:

NM_000297.4(PKD2):c.2341_2342insC (p.Asp781fs)

Gene: PKD2 (polycystin 2, transient receptor potential cation channel; plus strand). Cytogenetic location: 4q22.1.
Variant type: Insertion.
Coding change: c.2341_2342insC on transcript NM_000297.4 (MANE Select); coding-DNA positions 2341 to 2342, C inserted.
Protein change: p.Asp781fs; shifts the reading frame from aspartic acid 781.
Molecular consequence: frameshift variant. On other transcripts: non-coding transcript variant (1).
Genome position: GRCh38 VCF-style: chr4-88065862-G-GC. GRCh37 (hg19) VCF-style: chr4-88987014-G-GC.
Other names: c.2116_2117insC, p.Asp706fs (NM_001440544.1); short protein forms D706fs, D781fs.
Identifiers: ClinVar variation 4531957 (VCV004531957.1).
Genomic context (GRCh38, chr4:88,065,862, plus strand): 5'-AAGTACGACCAAGATGGAGACCAAGAACTGACCGAACATGAACATCAGCAGATGAGAGAC[G>GC]ACTTGGAGAAAGAGAGGGTGGGTCTGGTTTAGGAGAACCGGATTTGATTTGGTACCTACA-3'

ClinVar aggregate classification (germline): Pathogenic (1 of 4 stars; one submission).

Conditions:
Polycystic kidney disease 2 (PKD2). Also called: POLYCYSTIC KIDNEY DISEASE, ADULT, TYPE II; Polycystic Kidney Disease 2, Autosomal Dominant; POLYCYSTIC KIDNEY DISEASE 2 WITH OR WITHOUT POLYCYSTIC LIVER DISEASE. Identifiers: MedGen C2751306, MONDO:0013131, OMIM 613095.

Submission:

Victorian Clinical Genetics Services, Murdoch Childrens Research Institute
Classification: Pathogenic for Polycystic kidney disease 2. Last evaluated: 2024-10-26. Review status: criteria provided, single submitter. Criteria: ACMG Guidelines, 2015. Collection method: clinical testing. Allele origin: germline. Affected: yes.
Comment: This variant is classified as Pathogenic. Evidence in support of pathogenic classification: Variant is predicted to cause nonsense-mediated decay (NMD) and loss of protein (premature termination codon is located at least 54 nucleotides upstream of the final exon-exon junction); Variant is absent from gnomAD (v2, v3 and v4); Many other NMD-predicted variants comparable to the one identified in this case have very strong previous evidence for pathogenicity (DECIPHER). Additional information: This variant is heterozygous; This gene is associated with autosomal dominant disease; Loss of function is a known mechanism of disease in this gene and is associated with polycystic kidney disease 2 (MIM#613095); Inheritance information for this variant is not currently available in this individual.